The following is an entry in ClinVar:

ClinVar aggregate classification (germline): Uncertain significance (1 of 4 stars; one submission).

gnomAD v4.1: 17 of 1,614,178 alleles (0.0011%); highest among the groups gnomAD compares: Middle Eastern, 0.066%; no homozygotes.

Submission:

Mayo Clinic Laboratories, Mayo Clinic
Classification: Uncertain significance. Last evaluated: 2025-02-25. Review status: criteria provided, single submitter. Criteria: ACMG Guidelines, 2015. Collection method: clinical testing. Allele origin: germline. Observed: 1 variant allele.
Comment: PM2_supporting

NM_138477.4(CDAN1):c.2677G>A (p.Ala893Thr)

Gene: CDAN1 (codanin 1; minus strand). Cytogenetic location: 15q15.2.
Variant type: single nucleotide variant.
Coding change: c.2677G>A on transcript NM_138477.4 (MANE Select); coding-DNA position 2677, G replaced by A.
Protein change: p.Ala893Thr; replaces alanine 893 with threonine.
Molecular consequence: missense variant.
Genome position (GRCh38, 1-based): chr15:42,728,779, C>T on the plus strand (G>A on the coding strand, the complement: CDAN1 is on the minus strand). VCF-style: chr15-42728779-C-T. GRCh37 (hg19) VCF-style: chr15-43020977-C-T.
Other names: p.Ala893Thr; short protein forms A893T.
Identifiers: ClinVar variation 4541927 (VCV004541927.1).
Genomic context (GRCh38, chr15:42,728,779, plus strand): 5'-GGGCTGGGTCTCCCCCTTCCTCTCCCTGTGTCACCAGCTGCTCTTGGAGAAGTGACTCTG[C>T]CTGGCGCACCAGATCTGCCACCAGTGTAGCCCTGCAGCAGGGACAGCAAGGTTGGGGATG-3'
Protein context (NP_612486.2, residues 883-903): ATLVADLVRQ[Ala893Thr]ESLLQEQLVT